The following is an entry in ClinVar:

ClinVar aggregate classification (germline): Uncertain significance. Review status: criteria provided, multiple submitters, no conflicts (2 of 4 stars). 6 submissions from 6 submitters: Uncertain significance (5). 1 of the submissions does not count toward it. Last evaluated 2025-01-17.

Conditions:
Hereditary cancer-predisposing syndrome. Also called: Hereditary neoplastic syndrome; Tumor predisposition; Hereditary Cancer Syndrome; Neoplastic Syndromes, Hereditary. Identifiers: Orphanet 140162, MedGen C0027672, MeSH D009386, MONDO:0015356.
Fanconi anemia (FA). Also called: Fanconi's anemia. Identifiers: Orphanet 84, MedGen C0015625, MeSH D005199, MONDO:0019391.
Fanconi anemia complementation group C (FANCC). Also called: FANCC-Related Fanconi Anemia; Fanconi anemia, group C; FANCONI PANCYTOPENIA, TYPE 3; FACC. Identifiers: Orphanet 84, MedGen C3468041, MONDO:0009213, OMIM 227645.

Allele frequency attached by ClinVar (database versions not stated): gnomAD exomes 0.00002; ExAC 0.00003; gnomAD 0.00006 and 0.00007; TOPMed 0.00007; 1000 Genomes Project 30x 0.00016; 1000 Genomes Project 0.00020.
gnomAD v4.1: 38 of 1,614,040 alleles (0.0024%); highest among the groups gnomAD compares: East Asian, 0.036%; no homozygotes.

Submissions (6):

Labcorp Genetics (formerly Invitae), Labcorp
Classification: Uncertain significance for Fanconi anemia. Last evaluated: 2025-01-17. Review status: criteria provided, single submitter. Criteria: Invitae Variant Classification Sherloc (09022015). Collection method: clinical testing. Allele origin: germline.
Comment: This sequence change replaces arginine, which is basic and polar, with tryptophan, which is neutral and slightly polar, at codon 245 of the FANCC protein (p.Arg245Trp). This variant is present in population databases (rs571548182, gnomAD 0.004%). This variant has not been reported in the literature in individuals affected with FANCC-related conditions. ClinVar contains an entry for this variant (Variation ID: 219908). Invitae Evidence Modeling of protein sequence and biophysical properties (such as structural, functional, and spatial information, amino acid conservation, physicochemical variation, residue mobility, and thermodynamic stability) indicates that this missense variant is expected to disrupt FANCC protein function with a positive predictive value of 80%. In summary, the available evidence is currently insufficient to determine the role of this variant in disease. Therefore, it has been classified as a Variant of Uncertain Significance.

Ambry Genetics
Classification: Uncertain significance for Hereditary cancer-predisposing syndrome. Last evaluated: 2024-11-21. Review status: criteria provided, single submitter. Criteria: Ambry Variant Classification Scheme 2023. Collection method: clinical testing. Allele origin: germline.
Comment: The p.R245W variant (also known as c.733C>T), located in coding exon 7 of the FANCC gene, results from a C to T substitution at nucleotide position 733. The arginine at codon 245 is replaced by tryptophan, an amino acid with dissimilar properties. This amino acid position is well conserved in available vertebrate species. In addition, the in silico prediction for this alteration is inconclusive. Based on the available evidence, the clinical significance of this variant remains unclear.

GeneDx
Classification: Uncertain significance. Last evaluated: 2023-12-20. Review status: criteria provided, single submitter. Criteria: GeneDx Variant Classification Process June 2021. Collection method: clinical testing. Allele origin: germline. Affected: yes.
Comment: Not observed at significant frequency in large population cohorts (gnomAD); In silico analysis supports that this missense variant has a deleterious effect on protein structure/function; Has not been previously published as pathogenic or benign to our knowledge; This variant is associated with the following publications: (PMID: 29922827, Gordon2000[Book])

Fulgent Genetics
Classification: Uncertain significance for Fanconi anemia complementation group C. Last evaluated: 2021-12-01. Review status: criteria provided, single submitter. Criteria: ACMG Guidelines, 2015. Collection method: clinical testing. Allele origin: unknown.

Mayo Clinic Laboratories, Mayo Clinic
Classification: Uncertain significance. Last evaluated: 2021-05-21. Review status: criteria provided, single submitter. Criteria: ACMG Guidelines, 2015. Collection method: clinical testing. Allele origin: germline.

Natera, Inc.
Classification: Uncertain significance for Fanconi anemia. Last evaluated: 2018-12-23. Review status: no assertion criteria provided. Collection method: clinical testing. Allele origin: germline. Not counted in ClinVar's aggregate classification.

NM_000136.3(FANCC):c.733C>T (p.Arg245Trp)

Genes: AOPEP (aminopeptidase O (putative); plus strand), FANCC (FA complementation group C; minus strand). Cytogenetic location: 9q22.32.
Variant type: single nucleotide variant.
Coding change: c.733C>T on transcript NM_000136.3 (MANE Select); coding-DNA position 733, C replaced by T.
Protein change: p.Arg245Trp; replaces arginine 245 with tryptophan.
Molecular consequence: missense variant.
Genome position (GRCh38, 1-based): chr9:95,135,456, G>A on the plus strand (C>T on the coding strand, the complement: FANCC is on the minus strand). VCF-style: chr9-95135456-G-A. GRCh37 (hg19) VCF-style: chr9-97897738-G-A.
Other names: p.Arg245Trp; c.733C>T, p.Arg245Trp (NM_001243743.2, NM_001243744.2); short protein forms R245W.
Identifiers: ClinVar variation 219908 (VCV000219908.27), dbSNP rs571548182, ClinGen allele CA348449.